The following is an entry in ClinVar:

NM_000059.4(BRCA2):c.8593T>A (p.Leu2865Ile)

Gene: BRCA2 (BRCA2 DNA repair associated; plus strand). Cytogenetic location: 13q13.1.
Variant type: single nucleotide variant.
Coding change: c.8593T>A on transcript NM_000059.4 (MANE Select); coding-DNA position 8593, T replaced by A.
Protein change: p.Leu2865Ile; replaces leucine 2865 with isoleucine.
Molecular consequence: missense variant.
Genome position (GRCh38, 1-based): chr13:32,371,061, T>A. VCF-style: chr13-32371061-T-A. GRCh37 (hg19) VCF-style: chr13-32945198-T-A.
Other names: short protein forms L2865I.
Identifiers: ClinVar variation 857896 (VCV000857896.12), dbSNP rs80359117, ClinGen allele CA387752863.

ClinVar aggregate classification (germline): Uncertain significance. Review status: criteria provided, multiple submitters, no conflicts (2 of 4 stars). 2 submissions from 2 submitters: Uncertain significance (2). Last evaluated 2020-07-24.

Conditions:
Hereditary cancer-predisposing syndrome. Also called: Tumor predisposition; Hereditary neoplastic syndrome; Neoplastic Syndromes, Hereditary; Hereditary Cancer Syndrome. Identifiers: Orphanet 140162, MedGen C0027672, MeSH D009386, MONDO:0015356.
Hereditary breast ovarian cancer syndrome. Also called: Breast and ovarian cancer; BRCA1- and BRCA2-Associated Hereditary Breast and Ovarian Cancer; Hereditary breast and ovarian cancer; Hereditary breast and ovarian cancer syndrome (HBOC); Hereditary breast and/or ovarian cancer syndrome; Hereditary breast and ovarian cancer syndrome. Identifiers: Orphanet 145, MedGen C0677776, MeSH D061325, MONDO:0003582. Disease mechanism: loss of function.

Submissions (2):

Ambry Genetics
Classification: Uncertain significance for Hereditary cancer-predisposing syndrome. Last evaluated: 2020-07-24. Review status: criteria provided, single submitter. Criteria: Ambry Variant Classification Scheme 2023. Collection method: clinical testing. Allele origin: germline.
Comment: The p.L2865I variant (also known as c.8593T>A), located in coding exon 19 of the BRCA2 gene, results from a T to A substitution at nucleotide position 8593. The leucine at codon 2865 is replaced by isoleucine, an amino acid with highly similar properties. This amino acid position is highly conserved in available vertebrate species. In addition, the in silico prediction for this alteration is inconclusive. Since supporting evidence is limited at this time, the clinical significance of this alteration remains unclear.

Labcorp Genetics (formerly Invitae), Labcorp
Classification: Uncertain significance for Hereditary breast ovarian cancer syndrome. Last evaluated: 2019-05-22. Review status: criteria provided, single submitter. Criteria: Invitae Variant Classification Sherloc (09022015). Collection method: clinical testing. Allele origin: germline.
Comment: In summary, the available evidence is currently insufficient to determine the role of this variant in disease. Therefore, it has been classified as a Variant of Uncertain Significance. Algorithms developed to predict the effect of missense changes on protein structure and function are either unavailable or do not agree on the potential impact of this missense change (SIFT: "Deleterious"; PolyPhen-2: "Probably Damaging"; Align-GVGD: "Class C0"). This variant has not been reported in the literature in individuals with BRCA2-related conditions. This variant is not present in population databases (ExAC no frequency). This sequence change replaces leucine with isoleucine at codon 2865 of the BRCA2 protein (p.Leu2865Ile). The leucine residue is highly conserved and there is a small physicochemical difference between leucine and isoleucine.